The following is an entry in ClinVar:

ClinVar aggregate classification (germline): Uncertain significance (1 of 4 stars; one submission).

Conditions:
Dilated cardiomyopathy 1W (CMD1W). Identifiers: Orphanet 154, MedGen C1969639, MONDO:0012667, OMIM 611407.

Submission:

Labcorp Genetics (formerly Invitae), Labcorp
Classification: Uncertain significance for Dilated cardiomyopathy 1W. Last evaluated: 2022-02-19. Review status: criteria provided, single submitter. Criteria: Invitae Variant Classification Sherloc (09022015). Collection method: clinical testing. Allele origin: germline.
Comment: This sequence change replaces threonine, which is neutral and polar, with arginine, which is basic and polar, at codon 508 of the VCL protein (p.Thr508Arg). This variant is not present in population databases (gnomAD no frequency). This variant has not been reported in the literature in individuals affected with VCL-related conditions. Algorithms developed to predict the effect of missense changes on protein structure and function are either unavailable or do not agree on the potential impact of this missense change (SIFT: "Not Available"; PolyPhen-2: "Benign"; Align-GVGD: "Not Available"). In summary, the available evidence is currently insufficient to determine the role of this variant in disease. Therefore, it has been classified as a Variant of Uncertain Significance.

NM_014000.3(VCL):c.1523C>G (p.Thr508Arg)

Gene: VCL (vinculin; plus strand). Cytogenetic location: 10q22.2.
Variant type: single nucleotide variant.
Coding change: c.1523C>G on transcript NM_014000.3 (MANE Select); coding-DNA position 1523, C replaced by G.
Protein change: p.Thr508Arg; replaces threonine 508 with arginine.
Molecular consequence: missense variant.
Genome position (GRCh38, 1-based): chr10:74,094,441, C>G. VCF-style: chr10-74094441-C-G. GRCh37 (hg19) VCF-style: chr10-75854199-C-G.
Other names: c.1523C>G, p.Thr508Arg (NM_003373.4); short protein forms T508R.
Identifiers: ClinVar variation 2099092 (VCV002099092.4), dbSNP rs2549225433, ClinGen allele CA377274000.